The following is an entry in ClinVar:

ClinVar aggregate classification (germline): Likely pathogenic (1 of 4 stars; one submission).

Submission:

GeneDx
Classification: Likely pathogenic. Last evaluated: 2024-06-26. Review status: criteria provided, single submitter. Criteria: GeneDx Variant Classification Process June 2021. Collection method: clinical testing. Allele origin: germline. Affected: yes.
Comment: Not observed at significant frequency in large population cohorts (gnomAD); In silico analysis supports that this missense variant has a deleterious effect on protein structure/function; Has not been previously published as pathogenic or benign to our knowledge

NM_001003694.2(BRPF1):c.2008G>C (p.Asp670His)

Gene: BRPF1 (bromodomain and PHD finger containing 1; plus strand). Cytogenetic location: 3p25.3.
Variant type: single nucleotide variant.
Coding change: c.2008G>C on transcript NM_001003694.2 (MANE Select); coding-DNA position 2008, G replaced by C.
Protein change: p.Asp670His; replaces aspartic acid 670 with histidine.
Molecular consequence: missense variant. On other transcripts: non-coding transcript variant (1).
Genome position (GRCh38, 1-based): chr3:9,742,950, G>C. VCF-style: chr3-9742950-G-C. GRCh37 (hg19) VCF-style: chr3-9784634-G-C.
Other names: c.1990G>C, p.Asp664His (NM_001319049.2, NM_001319050.2, NM_004634.3); c.2008G>C, p.Asp670His (NM_001410704.1); short protein forms D664H, D670H.
Identifiers: ClinVar variation 3392939 (VCV003392939.1).
Genomic context (GRCh38, chr3:9,742,950, plus strand): 5'-CGGGGCAATAAGGAGGATATCTCCACTTAAAACAAACCTGCCCTGCCCTTCCAGGTACCT[G>C]ACTACCTAGACCACATCAAAAAGCCCATGGACTTTTTCACCATGAAGCAGAACTTGGAGG-3'
Protein context (NP_001003694.1, residues 660-680): SEVTELDEVP[Asp670His]YLDHIKKPMD